The following is an entry in ClinVar:

NM_000553.6(WRN):c.3727A>C (p.Lys1243Gln)

Gene: WRN (WRN RecQ like helicase; plus strand). Cytogenetic location: 8p12.
Variant type: single nucleotide variant.
Coding change: c.3727A>C on transcript NM_000553.6 (MANE Select); coding-DNA position 3727, A replaced by C.
Protein change: p.Lys1243Gln; replaces lysine 1243 with glutamine.
Molecular consequence: missense variant.
Genome position (GRCh38, 1-based): chr8:31,154,663, A>C. VCF-style: chr8-31154663-A-C. GRCh37 (hg19) VCF-style: chr8-31012179-A-C.
Other names: short protein forms K1243Q.
Identifiers: ClinVar variation 1419740 (VCV001419740.7), dbSNP rs2130470007, ClinGen allele CA370928966.

ClinVar aggregate classification (germline): Uncertain significance (1 of 4 stars; one submission).

Conditions:
Werner syndrome (WRN). Identifiers: Orphanet 902, MedGen C0043119, MONDO:0010196, OMIM 277700.

Allele frequency attached by ClinVar (database versions not stated): gnomAD exomes below 0.00001.
gnomAD v4.1: 2 of 1,613,608 alleles (0.00012%); highest among the groups gnomAD compares: Middle Eastern, 0.033%; no homozygotes.

Submission:

Labcorp Genetics (formerly Invitae), Labcorp
Classification: Uncertain significance for Werner syndrome. Last evaluated: 2024-08-05. Review status: criteria provided, single submitter. Criteria: Invitae Variant Classification Sherloc (09022015). Collection method: clinical testing. Allele origin: germline.
Comment: This sequence change replaces lysine, which is basic and polar, with glutamine, which is neutral and polar, at codon 1243 of the WRN protein (p.Lys1243Gln). This variant is not present in population databases (gnomAD no frequency). This variant has not been reported in the literature in individuals affected with WRN-related conditions. ClinVar contains an entry for this variant (Variation ID: 1419740). An algorithm developed to predict the effect of missense changes on protein structure and function (PolyPhen-2) suggests that this variant¬†is likely to be tolerated. In summary, the available evidence is currently insufficient to determine the role of this variant in disease. Therefore, it has been classified as a Variant of Uncertain Significance.